The following is an entry in ClinVar:

NM_006767.4(LZTR1):c.401-2A>G

Gene: LZTR1 (leucine zipper like post translational regulator 1; plus strand). Cytogenetic location: 22q11.21.
Variant type: single nucleotide variant.
Coding change: c.401-2A>G on transcript NM_006767.4 (MANE Select); the canonical splice acceptor site of the intron before coding-DNA position 401, A replaced by G.
Molecular consequence: splice acceptor variant.
Genome position (GRCh38, 1-based): chr22:20,988,008, A>G. VCF-style: chr22-20988008-A-G. GRCh37 (hg19) VCF-style: chr22-21342297-A-G.
Other names: c.401-2A>G (NM_006767.3).
Identifiers: ClinVar variation 1519001 (VCV001519001.13), dbSNP rs1222197005, ClinGen allele CA410779556.

ClinVar aggregate classification (germline): Pathogenic/Likely pathogenic. Review status: criteria provided, multiple submitters, no conflicts (2 of 4 stars). 4 submissions from 4 submitters: Pathogenic (3); Likely pathogenic (1). Last evaluated 2025-11-10.

Conditions:
LZTR1-related disorder. Also called: LZTR1-related disorders; LZTR1-related condition.
Hereditary cancer-predisposing syndrome. Also called: Hereditary neoplastic syndrome; Hereditary Cancer Syndrome; Tumor predisposition; Neoplastic Syndromes, Hereditary. Identifiers: Orphanet 140162, MedGen C0027672, MeSH D009386, MONDO:0015356.
Cardiovascular phenotype. Identifiers: MedGen CN230736.

Allele frequency attached by ClinVar (database versions not stated): gnomAD 0.00001; TOPMed 0.00002.
gnomAD v4.1: 2 of 1,560,482 alleles (0.00013%); highest among the groups gnomAD compares: East Asian, 0.0022%; no homozygotes.

Submissions (4):

Labcorp Genetics (formerly Invitae), Labcorp
Classification: Pathogenic. Last evaluated: 2025-11-10. Review status: criteria provided, single submitter. Criteria: Invitae Variant Classification Sherloc (09022015). Collection method: clinical testing. Allele origin: germline.
Comment: This sequence change affects an acceptor splice site in intron 4 of the LZTR1 gene. It is expected to disrupt RNA splicing. Variants that disrupt the donor or acceptor splice site typically lead to a loss of protein function (PMID: 16199547), and loss-of-function variants in LZTR1 are known to be pathogenic (PMID: 24362817, 25335493, 25480913, 25795793, 29469822, 30368668, 30442762, 30442766, 30481304, 30859559). This variant is not present in population databases (gnomAD no frequency). Disruption of this splice site has been observed in individuals with LZTR1-related conditions (PMID: 25480913, 39140257). ClinVar contains an entry for this variant (Variation ID: 1519001). Algorithms developed to predict the effect of sequence changes on RNA splicing suggest that this variant may disrupt the consensus splice site. For these reasons, this variant has been classified as Pathogenic.

GeneDx
Classification: Pathogenic. Last evaluated: 2025-04-24. Review status: criteria provided, single submitter. Criteria: GeneDx Variant Classification Process June 2021. Collection method: clinical testing. Allele origin: germline. Affected: yes.
Comment: Canonical splice site variant predicted to result in a null allele in a gene for which loss of function is a known mechanism of disease; Not observed at significant frequency in large population cohorts (gnomAD); This variant is associated with the following publications: (PMID: 25335493, 16199547, 24362817, 29469822, 30442762, 30859559, 25480913, 33084842, 39062695)

Greenwood Genetic Center Diagnostic Laboratories, Greenwood Genetic Center
Classification: Likely pathogenic for LZTR1-related disorder. Last evaluated: 2024-09-24. Review status: criteria provided, single submitter. Criteria: ACMG Guidelines, 2015. Collection method: clinical testing. Allele origin: germline. Affected: yes.
Comment: PVS1, PM2

Ambry Genetics
Classification: Pathogenic for Cardiovascular phenotype; Hereditary cancer-predisposing syndrome. Last evaluated: 2023-03-23. Review status: criteria provided, single submitter. Criteria: Ambry Variant Classification Scheme 2023. Collection method: clinical testing. Allele origin: germline.
Comment: The c.401-2A>G intronic pathogenic mutation results from an A to G substitution two nucleotides before coding exon 5 in the LZTR1 gene. This variant has been detected in an individual with multiple schwannomas (Smith MJ et al. Neurology, 2015 Jan;84:141-7). This variant is considered to be rare based on population cohorts in the Genome Aggregation Database (gnomAD). This nucleotide position is highly conserved in available vertebrate species. In silico splice site analysis predicts that this alteration will weaken the native splice acceptor site. Alterations that disrupt the canonical splice site are expected to cause aberrant splicing, resulting in an abnormal protein or a transcript that is subject to nonsense-mediated mRNA decay, and RNA studies have demonstrated that this alteration results in abnormal splicing in the set of samples tested (Ambry internal data). Loss-of-function variants in LZTR1 are related to an increased risk for schwannomas and autosomal recessive Noonan syndrome; however, such associations with autosomal dominant Noonan syndrome have not been observed (Piotrowski A et al. Nat Genet. 2014 Feb;46:182-7; Yamamoto GL et al. J Med Genet. 2015 Jun;52:413-21; Johnston JJ et al. Genet Med. 2018 10;20:1175-1185). Based on the supporting evidence, this variant is pathogenic for an increased risk of LZTR1-related schwannomatosis (SWN) and would be expected to cause autosomal recessive Noonan syndrome when present along with a second pathogenic or likely pathogenic variant on the other allele; however, the association of this alteration with autosomal dominant Noonan syndrome is unlikely.

Literature cited by the submitters: PubMed 16199547 (cited by Labcorp Genetics (formerly Invitae), Labcorp); PubMed 24362817 (cited by Labcorp Genetics (formerly Invitae), Labcorp); PubMed 25335493 (cited by Labcorp Genetics (formerly Invitae), Labcorp); PubMed 25480913 (cited by Labcorp Genetics (formerly Invitae), Labcorp); PubMed 25795793 (cited by Labcorp Genetics (formerly Invitae), Labcorp); PubMed 29469822 (cited by Labcorp Genetics (formerly Invitae), Labcorp); PubMed 30368668 (cited by Labcorp Genetics (formerly Invitae), Labcorp); PubMed 30442762 (cited by Labcorp Genetics (formerly Invitae), Labcorp); PubMed 30442766 (cited by Labcorp Genetics (formerly Invitae), Labcorp); PubMed 30481304 (cited by Labcorp Genetics (formerly Invitae), Labcorp); PubMed 30859559 (cited by Labcorp Genetics (formerly Invitae), Labcorp); PubMed 39140257 (cited by Labcorp Genetics (formerly Invitae), Labcorp).